The following is an entry in ClinVar:

ClinVar aggregate classification (germline): Conflicting classifications of pathogenicity. Review status: criteria provided, conflicting classifications (1 of 4 stars). 17 submissions from 15 submitters: Pathogenic (8); Likely pathogenic (7); Uncertain significance (1). 1 of the submissions does not count toward it. Last evaluated 2026-09-11.

Conditions:
CHRNE-related disorder. Also called: CHRNE-related condition.
Congenital myasthenic syndrome 4B. Also called: Myasthenic syndrome, congenital, 4b, fast-channel. Identifiers: Orphanet 590, MedGen C4225369, MONDO:0014586, OMIM 616324.
Congenital myasthenic syndrome 4A. Also called: CONGENITAL MYASTHENIC SYNDROME TYPE Ia1; Myasthenic syndrome, congenital, 4a, slow-channel; MYASTHENIC SYNDROME, CONGENITAL, 4A, SLOW-CHANNEL, AUTOSOMAL RECESSIVE. Identifiers: Orphanet 590, MedGen C4225413, MONDO:0011600, OMIM 605809.
Congenital myasthenic syndrome 4C (CMS4C). Also called: Myasthenic syndrome, congenital, associated with acetylcholine receptor deficiency. Identifiers: Orphanet 590, MedGen C1837091, MONDO:0012157, OMIM 608931.
Congenital myasthenic syndrome (CMS). Also called: Congenital Myasthenic Syndromes. Identifiers: Orphanet 590, MedGen C0751882, MeSH D020294, MONDO:0018940.
Tip-toe gait. Also called: Toe walking. Identifiers: MedGen C0427144, HP:0030051.

Allele frequency attached by ClinVar (database versions not stated): 1000 Genomes Project 0.00020; 1000 Genomes Project 30x 0.00047; ESP Exome Variant Server 0.00054; gnomAD 0.00061; gnomAD exomes 0.00064; ExAC 0.00077; TOPMed 0.00079.
gnomAD v4.1: 1,839 of 1,613,994 alleles (0.11%); highest among the groups gnomAD compares: Non-Finnish European, 0.14%; 1 homozygote.

Submissions 1 to 10 of 17:

GeneDx
Classification: Likely pathogenic. Last evaluated: 2026-09-11. Review status: criteria provided, single submitter. Criteria: GeneDx Variant Classification Process June 2021. Collection method: clinical testing. Allele origin: germline.
Comment: In silico analysis supports that this missense variant has a deleterious effect on protein structure/function; Referred to as Y15H using alternate nomenclature; This variant is associated with the following publications: (PMID: 19544078, 21940170, 24295813, 29189923, 31980526, 17878953, 12417530, 36891870, 37091313, Ustun2026[casereport])

PreventionGenetics, part of Exact Sciences
Classification: Pathogenic for CHRNE-related condition. Last evaluated: 2026-05-20. Review status: criteria provided, single submitter. Criteria: ACMG Guidelines, 2015. Collection method: clinical testing. Allele origin: germline.
Comment: The CHRNE c.103T>C variant is predicted to result in the amino acid substitution p.Tyr35His. This variant has been reported in several unrelated patients to be causative for autosomal recessive congenital myasthenic syndrome (for example, cited as p.Tyr15His, Ealing et al. 2002. PubMed ID: 12417530; Webster et al. 2014. PubMed ID: 24295813; Palace et al. 2012. PubMed ID: 21940170 ). This variant is reported in 0.12% of alleles in individuals of European (non-Finnish) descent in gnomAD. This variant is interpreted as pathogenic for autosomal recessive CHRNE-related disorders.

Labcorp Genetics (formerly Invitae), Labcorp
Classification: Pathogenic for Congenital myasthenic syndrome 4A. Last evaluated: 2026-02-04. Review status: criteria provided, single submitter. Criteria: Invitae Variant Classification Sherloc (09022015). Collection method: clinical testing. Allele origin: germline.
Comment: This sequence change replaces tyrosine, which is neutral and polar, with histidine, which is basic and polar, at codon 35 of the CHRNE protein (p.Tyr35His). This variant is present in population databases (rs144169073, gnomAD 0.1%), and has an allele count higher than expected for a pathogenic variant. This missense change has been observed in individual(s) with autosomal recessive congenital myasthenic syndrome (PMID: 12417530, 17878953, 21940170, 24295813). In at least one individual the data is consistent with being in trans (on the opposite chromosome) from a pathogenic variant. It has also been observed to segregate with disease in related individuals. This variant is also known as Tyr15His. ClinVar contains an entry for this variant (Variation ID: 282036). Invitae Evidence Modeling of protein sequence and biophysical properties (such as structural, functional, and spatial information, amino acid conservation, physicochemical variation, residue mobility, and thermodynamic stability) indicates that this missense variant is expected to disrupt CHRNE protein function with a positive predictive value of 95%. For these reasons, this variant has been classified as Pathogenic.

Natera, Inc.
Classification: Pathogenic for Congenital myasthenic syndrome. Last evaluated: 2025-11-18. Review status: criteria provided, single submitter. Criteria: Natera Variant Classification Schema (03/2026). Collection method: clinical testing. Allele origin: germline.
Comment: The c.103T>C variant in CHRNE is a missense variant predicted to cause substitution of tyrosine to histidine at amino acid 35. This variant is rare in the general population with a frequency below the threshold expected for the associated phenotype(s). This variant has been observed in one or more individuals affected with the associated recessive disease, as either homozygous or compound heterozygous with a second variant (PMID: 21940170). Additionally, this variant has been observed to segregate in affected family members (PMID: 21940170). Computational prediction algorithms indicate this variant is likely to affect gene or protein function. Given the available evidence, this variant is classified as Pathogenic.

Greenwood Genetic Center Diagnostic Laboratories, Greenwood Genetic Center
Classification: Pathogenic for CHRNE-related disorder. Last evaluated: 2025-06-26. Review status: criteria provided, single submitter. Criteria: ACMG Guidelines, 2015. Collection method: clinical testing. Allele origin: germline. Affected: yes.
Comment: PM2, PM3_Very Strong, PP3

Revvity Omics, Revvity
Classification: Likely pathogenic. Last evaluated: 2025-05-27. Review status: criteria provided, single submitter. Criteria: ACMG Guidelines, 2015. Collection method: clinical testing. Allele origin: germline.

ARUP Laboratories, Molecular Genetics and Genomics, ARUP Laboratories
Classification: Likely pathogenic. Last evaluated: 2024-09-19. Review status: criteria provided, single submitter. Criteria: ARUP Molecular Germline Variant Investigation Process 2024. Collection method: clinical testing. Allele origin: germline.
Comment: The CHRNE c.103T>C; p.Tyr35His variant (rs144169073, ClinVar Variation ID: 282036), also published as Y15H, is reported in the literature in multiple individuals affected with congenital myasthenic syndrome who carried a second variant in trans (Ealing 2002, Krenn 2023, McMacken 2018, Palace 2012, Webster 2014). This variant is found in the general population with an overall allele frequency of 0.06% (180/282,748 alleles) in the Genome Aggregation Database (v2.1.1). Computational analyses predict that this variant is deleterious (REVEL: 0.897). Based on available information, this variant is considered to be likely pathogenic. References: Ealing J et al. Mutations in congenital myasthenic syndromes reveal an epsilon subunit C-terminal cysteine, C470, crucial for maturation and surface expression of adult AChR. Hum Mol Genet. 2002 Nov 15;11(24):3087-96. PMID: 12417530. Krenn M et al. The clinical and molecular landscape of congenital myasthenic syndromes in Austria: a nationwide study. J Neurol. 2023 Feb;270(2):909-916. PMID: 36308527. McMacken G et al. Congenital myasthenic syndrome with episodic apnoea: clinical, neurophysiological and genetic features in the long-term follow-up of 19 patients. J Neurol. 2018 Jan;265(1):194-203. PMID: 29189923. Palace J et al. Clinical features in a series of fast channel congenital myasthenia syndrome. Neuromuscul Disord. 2012 Feb;22(2):112-7. PMID: 21940170. Webster R et al. Fast-channel congenital myasthenic syndrome with a novel acetylcholine receptor mutation at the alpha-epsilon subunit interface. Neuromuscul Disord. 2014 Feb;24(2):143-7. PMID: 24295813.

Fulgent Genetics
Classification: Likely pathogenic for Congenital myasthenic syndrome 4A; Congenital myasthenic syndrome 4C; Congenital myasthenic syndrome 4B. Last evaluated: 2024-05-07. Review status: criteria provided, single submitter. Criteria: ACMG Guidelines, 2015. Collection method: clinical testing. Allele origin: germline.

Baylor Genetics
Classification: Pathogenic for Congenital myasthenic syndrome 4A. Last evaluated: 2024-03-30. Review status: criteria provided, single submitter. Criteria: ACMG Guidelines, 2015. Collection method: clinical testing. Allele origin: unknown.

Women's Health and Genetics/Laboratory Corporation of America, LabCorp
Classification: Pathogenic for Congenital myasthenic syndrome. Last evaluated: 2023-12-07. Review status: criteria provided, single submitter. Criteria: LabCorp Variant Classification Summary - May 2015. Collection method: clinical testing. Allele origin: germline.
Comment: Variant summary: CHRNE c.103T>C (p.Tyr35His), also referred to as Y15H, results in a conservative amino acid change located in the neurotransmitter-gated ion-channel ligand-binding domain (IPR006202) of the encoded protein sequence. Four of five in-silico tools predict a damaging effect of the variant on protein function. The variant allele was found at a frequency of 0.00064 in 251424 control chromosomes, predominantly at a frequency of 0.0012 within the Non-Finnish European subpopulation in the gnomAD database. This frequency is not significantly higher than estimated for a pathogenic variant in CHRNE causing Congenital Myasthenic Syndrome (0.00064 vs 0.0025), allowing no conclusion about variant significance. c.103T>C has been reported in the literature as a compound heterozygous genotype in multiple individuals affected with Congenital Myasthenic Syndrome (e.g. Ealing_2002, Denning_2007, Palace_2012, Webster_2014, McMacken_2018, Clair Hou_2020). These data indicate that the variant is very likely to be associated with disease. To our knowledge, no experimental evidence demonstrating an impact on protein function has been reported. The following publications have been ascertained in the context of this evaluation (PMID: 31980526, 17878953, 12417530, 29189923, 21940170, 24295813). Nine submitters have cited clinical-significance assessments for this variant to ClinVar after 2014. Six submitters reported the variant as pathogenic/likely pathogenic and three as uncertain significance. Based on the evidence outlined above, the variant was classified as pathogenic.

NM_000080.4(CHRNE):c.103T>C (p.Tyr35His)

Genes: C17orf107 (chromosome 17 open reading frame 107; plus strand), CHRNE (cholinergic receptor nicotinic epsilon subunit; minus strand). Cytogenetic location: 17p13.2.
Variant type: single nucleotide variant.
Coding change: c.103T>C on transcript NM_000080.4 (MANE Select); coding-DNA position 103, T replaced by C.
Protein change: p.Tyr35His; replaces tyrosine 35 with histidine.
Molecular consequence: missense variant. On other transcripts: 3 prime UTR variant (1).
Genome position (GRCh38, 1-based): chr17:4,902,707, A>G on the plus strand (T>C on the coding strand, the complement: CHRNE is on the minus strand). VCF-style: chr17-4902707-A-G. GRCh37 (hg19) VCF-style: chr17-4806002-A-G.
Other names: c.*2174A>G (NM_001145536.2); short protein forms Y35H.
Identifiers: ClinVar variation 282036 (VCV000282036.49), dbSNP rs144169073, ClinGen allele CA8314605.